The following is an entry in ClinVar:

NM_182758.4(WDR72):c.88C>T (p.Arg30Ter)

Gene: WDR72 (WD repeat domain 72; minus strand). Cytogenetic location: 15q21.3.
Variant type: single nucleotide variant.
Coding change: c.88C>T on transcript NM_182758.4 (MANE Select); coding-DNA position 88, C replaced by T.
Protein change: p.Arg30Ter; replaces arginine 30 with a stop codon.
Molecular consequence: nonsense. On other transcripts: non-coding transcript variant (1).
Genome position (GRCh38, 1-based): chr15:53,733,062, G>A on the plus strand (C>T on the coding strand, the complement: WDR72 is on the minus strand). VCF-style: chr15-53733062-G-A. GRCh37 (hg19) VCF-style: chr15-54025259-G-A.
Other names: c.88C>T (NM_182758.3); short protein forms R30*.
Identifiers: ClinVar variation 517616 (VCV000517616.11), dbSNP rs770804941, ClinGen allele CA7571550.

ClinVar aggregate classification (germline): Pathogenic/Likely pathogenic. Review status: criteria provided, multiple submitters, no conflicts (2 of 4 stars). 5 submissions from 5 submitters: Pathogenic (2); Likely pathogenic (3). Last evaluated 2026-03-30.

Conditions:
Amelogenesis imperfecta (AI). Also called: Congenital enamel hypoplasia. Identifiers: Orphanet 88661, MedGen C0002452, MONDO:0019507, HP:0000705.
Amelogenesis imperfecta hypomaturation type 2A3. Also called: Amelogenesis imperfecta, type IIA3. Identifiers: Orphanet 88661, MedGen C2750771, MONDO:0013181, OMIM 613211. Disease mechanism: loss of function.
WDR72-related disorder. Also called: WDR72-related condition.

Allele frequency attached by ClinVar (database versions not stated): TOPMed 0.00002.

Submissions (5):

GeneDx
Classification: Pathogenic. Last evaluated: 2026-03-30. Review status: criteria provided, single submitter. Criteria: GeneDx Variant Classification Process June 2021. Collection method: clinical testing. Allele origin: germline.
Comment: Nonsense variant predicted to result in protein truncation or nonsense mediated decay in a gene for which loss of function is a known mechanism of disease; This variant is associated with the following publications: (PMID: 39150521, 31589614, 33033857, 36836560, 30609409)

PreventionGenetics, part of Exact Sciences
Classification: Pathogenic for WDR72-related condition. Last evaluated: 2025-08-06. Review status: criteria provided, single submitter. Criteria: ACMG Guidelines, 2015. Collection method: clinical testing. Allele origin: germline.
Comment: The WDR72 c.88C>T variant is predicted to result in premature protein termination (p.Arg30*). This variant has been reported in the homozygous state in an individual with amelogenesis imperfecta (Patient #8 in Khandelwal et al. 2020. PubMed ID: 33033857). This variant is reported in 0.0056% of alleles in individuals of Latino descent in gnomAD. Nonsense variants in WDR72 are expected to be pathogenic. This variant is interpreted as pathogenic.

Genetics and Molecular Pathology, SA Pathology
Classification: Likely pathogenic for Amelogenesis imperfecta hypomaturation type 2A3. Last evaluated: 2021-07-30. Review status: criteria provided, single submitter. Criteria: ACMG Guidelines, 2015. Collection method: clinical testing. Allele origin: germline. Inheritance: Autosomal recessive inheritance. Affected: yes.
Comment: The WDR72 c.88C>T variant is classified as a LIKELY PATHOGENIC variant (PVS1, PM2) The variant is a single nucleotide change from a cytosine to a thymine at position 88 which is predicted to change the Arginine at position 30 in the protein to a premature STOP codon, which is predicted to lead to a truncated or absent protein (PVS1). The variant is in dbSNP (rs770804941) but its low frequency in population databases (gnomAD 7/282418, 0 homozygotes) is consistent with a recessive carrier frequency (PM2). The variant has been reported in the ClinVar as likely pathogenic (Variation ID: 517616), and in the HGMD as VUS (Accession#: CM190501).

Fulgent Genetics
Classification: Likely pathogenic for Amelogenesis imperfecta hypomaturation type 2A3. Last evaluated: 2021-07-21. Review status: criteria provided, single submitter. Criteria: ACMG Guidelines, 2015. Collection method: clinical testing. Allele origin: unknown.

Laboratory for Molecular Medicine, Mass General Brigham Personalized Medicine
Classification: Likely pathogenic for Amelogenesis imperfecta. Last evaluated: 2018-01-24. Review status: criteria provided, single submitter. Criteria: LMM Criteria. Collection method: clinical testing. Allele origin: germline. Inheritance: Autosomal recessive inheritance. Observed: 1 variant allele.
Comment: The p.Arg30X variant (NM_182758.2 c.88C>T) in WDR72 has not been previously repo rted in the literature, but has been identified in 2/34392 of Latino chromosomes by the Genome Aggregation Database (gnomAD; d bSNP rs770804941). Although this variant has been seen in the general population , its frequency is low enough to be consistent with a recessive carrier frequenc y. This nonsense variant leads to a premature termination codon at position 30, which is predicted to lead to a truncated or absent protein. Biallelic loss of f unction of the WDR72 gene has been associated with amelogenesis imperfecta. In s ummary, although additional studies are required to fully establish its clinical significance, the p.Arg30X variant is likely pathogenic based on a predicted nu ll effect. ACMG/AMP Criteria applied: PVS1; PM2 (Richards 2015).